The following is an entry in ClinVar:

ClinVar aggregate classification (germline): Pathogenic. Review status: criteria provided, multiple submitters, no conflicts (2 of 4 stars). 3 submissions from 3 submitters: Pathogenic (2). 1 of the submissions does not count toward it. Last evaluated 2022-06-30.

Conditions:
Hereditary cancer-predisposing syndrome. Also called: Tumor predisposition; Hereditary neoplastic syndrome; Hereditary Cancer Syndrome; Neoplastic Syndromes, Hereditary. Identifiers: Orphanet 140162, MedGen C0027672, MeSH D009386, MONDO:0015356.
Hereditary breast ovarian cancer syndrome. Also called: Hereditary breast and/or ovarian cancer syndrome; Hereditary breast and ovarian cancer syndrome (HBOC); Hereditary breast and ovarian cancer; Hereditary breast and ovarian cancer syndrome; Breast and ovarian cancer; BRCA1- and BRCA2-Associated Hereditary Breast and Ovarian Cancer. Identifiers: Orphanet 145, MedGen C0677776, MeSH D061325, MONDO:0003582. Disease mechanism: loss of function.
Breast-ovarian cancer, familial, susceptibility to, 2 (BROVCA2). Also called: BRCA2 Hereditary Breast and Ovarian Cancer. Identifiers: Orphanet 145, MedGen C2675520, MONDO:0012933, OMIM 612555. Disease mechanism: loss of function.

Submissions (3):

Labcorp Genetics (formerly Invitae), Labcorp
Classification: Pathogenic for Hereditary breast ovarian cancer syndrome. Last evaluated: 2022-06-30. Review status: criteria provided, single submitter. Criteria: Invitae Variant Classification Sherloc (09022015). Collection method: clinical testing. Allele origin: germline.
Comment: For these reasons, this variant has been classified as Pathogenic. Algorithms developed to predict the effect of sequence changes on RNA splicing suggest that this variant may disrupt the consensus splice site. ClinVar contains an entry for this variant (Variation ID: 9317). This variant has been observed in individual(s) with breast cancer (PMID: 8524414, 21394826, 22505045). It has also been observed to segregate with disease in related individuals. This variant is not present in population databases (gnomAD no frequency). This variant results in the deletion of part of exon 13 of the BRCA2 gene. It is expected to disrupt RNA splicing. Variants that disrupt the donor or acceptor splice site typically lead to a loss of protein function (PMID: 16199547), and loss-of-function variants in BRCA2 are known to be pathogenic (PMID: 20104584).

Ambry Genetics
Classification: Pathogenic for Hereditary cancer-predisposing syndrome. Last evaluated: 2020-05-07. Review status: criteria provided, single submitter. Criteria: Ambry Variant Classification Scheme 2023. Collection method: clinical testing. Allele origin: germline.
Comment: The c.7004_7007+2delTTCGGT pathogenic mutation located in the BRCA2 gene, is caused by the deletion of the last four nucleotides of coding exon 12 as well as the first two intronic nucleotides downstream of this coding exon, causing a disruption of the canonical splice donor site. This alteration was identified in an HBOC family and segregated strongly with breast cancer in that family (Wooster et al. Nature. 1996 Dec;378(6559):789-92). RNA studies have demonstrated that this alteration results in abnormal splicing in the set of samples tested (Ambry internal data). As such, this alteration is classified as a disease-causing mutation.

OMIM
Classification: Pathogenic for BREAST-OVARIAN CANCER, FAMILIAL, SUSCEPTIBILITY TO, 2. Last evaluated: 1995-12-21. Review status: no assertion criteria provided. Collection method: literature only. Allele origin: germline. Not counted in ClinVar's aggregate classification.

Literature cited by the submitters: PubMed 8524414 (cited by 3 submitters); PubMed 21394826 (cited by Labcorp Genetics (formerly Invitae), Labcorp); PubMed 22505045 (cited by Labcorp Genetics (formerly Invitae), Labcorp); PubMed 16199547 (cited by Labcorp Genetics (formerly Invitae), Labcorp); PubMed 20104584 (cited by Labcorp Genetics (formerly Invitae), Labcorp).

NM_000059.4(BRCA2):c.7004_7007+2del

Gene: BRCA2 (BRCA2 DNA repair associated; plus strand). Cytogenetic location: 13q13.1.
Variant type: Deletion.
Coding change: c.7004_7007+2del on transcript NM_000059.4 (MANE Select); coding-DNA position 7004 through the canonical splice donor site of the intron after coding-DNA position 7007, 6 bases deleted (TTCGGT; older notation c.7004_7007+2delTTCGGT).
Molecular consequence: splice donor variant.
Genome position (GRCh38, 1-based): chr13:32,346,893-32,346,898, TTCGGT deleted; deleting any 6 consecutive bases within chr13:32,346,892-32,346,898 gives the same sequence; the c. name uses the placement nearest the transcript's 3' end. VCF-style (leftmost placement, unchanged base first): chr13-32346891-CTTTCGG-C. GRCh37 (hg19) VCF-style: chr13-32921028-CTTTCGG-C.
Other names: c.7004_7007+2delTTCGGT (NM_000059.3).
Identifiers: ClinVar variation 9317 (VCV000009317.14), dbSNP rs397507890, ClinGen allele CA325946.